The following is an entry in ClinVar:

ClinVar aggregate classification (germline): Likely benign. Review status: criteria provided, multiple submitters, no conflicts (2 of 4 stars). 4 submissions from 4 submitters: Likely benign (4). Last evaluated 2026-01-18.

Conditions:
Autosomal recessive inherited pseudoxanthoma elasticum (PXE). Identifiers: Orphanet 758, MedGen CN032334, MONDO:0009925, OMIM 264800.
Pseudoxanthoma elasticum, forme fruste. Also called: PSEUDOXANTHOMA ELASTICUM, HETEROZYGOUS; Pseudoxanthoma Elasticum, Incomplete. Identifiers: Orphanet 758, MedGen C1867450, MONDO:0008333, OMIM 177850.
Arterial calcification, generalized, of infancy, 2. Identifiers: Orphanet 51608, MedGen C3276161, MONDO:0013768, OMIM 614473.
ABCC6-related disorder. Also called: ABCC6-related condition.

Allele frequency attached by ClinVar (database versions not stated): gnomAD 0.00005 and 0.00006; TOPMed 0.00007; ESP Exome Variant Server 0.00008.
gnomAD v4.1: 68 of 1,613,928 alleles (0.0042%); highest among the groups gnomAD compares: Admixed American, 0.028%; no homozygotes.

Submissions (4):

Labcorp Genetics (formerly Invitae), Labcorp
Classification: Likely benign. Last evaluated: 2026-01-18. Review status: criteria provided, single submitter. Criteria: Invitae Variant Classification Sherloc (09022015). Collection method: clinical testing. Allele origin: germline.

PreventionGenetics, part of Exact Sciences
Classification: Likely benign for ABCC6-related condition. Last evaluated: 2025-06-30. Review status: criteria provided, single submitter. Criteria: ACMG Guidelines, 2015. Collection method: clinical testing. Allele origin: germline.
Comment: This variant is classified as likely benign based on ACMG/AMP sequence variant interpretation guidelines (Richards et al. 2015 PMID: 25741868, with internal and published modifications).

Blueprint Genetics
Classification: Likely benign. Last evaluated: 2023-08-09. Review status: criteria provided, single submitter. Criteria: ACMG Guidelines, 2015. Collection method: clinical testing. Allele origin: germline.

Fulgent Genetics
Classification: Likely benign for Pseudoxanthoma elasticum, forme fruste; Autosomal recessive inherited pseudoxanthoma elasticum; Arterial calcification, generalized, of infancy, 2. Last evaluated: 2021-10-30. Review status: criteria provided, single submitter. Criteria: ACMG Guidelines, 2015. Collection method: clinical testing. Allele origin: unknown.

NM_001171.6(ABCC6):c.1569C>A (p.Gly523=)

Gene: ABCC6 (ATP binding cassette subfamily C member 6; minus strand). Cytogenetic location: 16p13.11.
Variant type: single nucleotide variant.
Coding change: c.1569C>A on transcript NM_001171.6 (MANE Select); coding-DNA position 1569, C replaced by A.
Protein change: p.Gly523=; no amino-acid change (glycine 523 retained).
Molecular consequence: synonymous variant. On other transcripts: non-coding transcript variant (1).
Genome position (GRCh38, 1-based): chr16:16,190,230, G>T on the plus strand (C>A on the coding strand, the complement: ABCC6 is on the minus strand). VCF-style: chr16-16190230-G-T. GRCh37 (hg19) VCF-style: chr16-16284087-G-T.
Other names: c.1227C>A, p.Gly409= (NM_001351800.1); c.1569C>A (NM_001171.5).
Identifiers: ClinVar variation 1536416 (VCV001536416.11), dbSNP rs145764775, ClinGen allele CA7926269.